The following is an entry in ClinVar:

ClinVar aggregate classification (germline): Uncertain significance. Review status: criteria provided, multiple submitters, no conflicts (2 of 4 stars). 2 submissions from 2 submitters: Uncertain significance (2). Last evaluated 2026-04-23.

Conditions:
MIA3-related condition.
Inborn genetic diseases. Identifiers: MedGen C0950123, MeSH D030342.

gnomAD v4.1: 55 of 1,611,520 alleles (0.0034%); highest among the groups gnomAD compares: Middle Eastern, 0.033%; no homozygotes.

Submissions (2):

PreventionGenetics, part of Exact Sciences
Classification: Uncertain significance for MIA3-related condition. Last evaluated: 2026-04-23. Review status: criteria provided, single submitter. Criteria: ACMG Guidelines, 2015. Collection method: clinical testing. Allele origin: germline.
Comment: The MIA3 c.4970G>A variant is predicted to result in the amino acid substitution p.Arg1657Gln. To our knowledge, this variant has not been reported in the literature. This variant is reported in 0.0086% of alleles in individuals of Latino descent in gnomAD. At this time, the clinical significance of this variant is uncertain due to the absence of conclusive functional and genetic evidence.

Ambry Genetics
Classification: Uncertain significance for Inborn genetic diseases. Last evaluated: 2024-06-16. Review status: criteria provided, single submitter. Criteria: Ambry Variant Classification Scheme 2023. Collection method: clinical testing. Allele origin: germline.

NM_198551.4(MIA3):c.4970G>A (p.Arg1657Gln)

Gene: MIA3 (MIA SH3 domain ER export factor 3; plus strand). Cytogenetic location: 1q41.
Variant type: single nucleotide variant.
Coding change: c.4970G>A on transcript NM_198551.4 (MANE Select); coding-DNA position 4970, G replaced by A.
Protein change: p.Arg1657Gln; replaces arginine 1657 with glutamine.
Molecular consequence: missense variant.
Genome position (GRCh38, 1-based): chr1:222,660,001, G>A. VCF-style: chr1-222660001-G-A. GRCh37 (hg19) VCF-style: chr1-222833343-G-A.
Other names: c.4793G>A, p.Arg1598Gln (NM_001324063.2); c.4478G>A, p.Arg1493Gln (NM_001324064.2); c.1604G>A, p.Arg535Gln (NM_001324065.2, NM_001300867.2); c.4970G>A (NM_001324062.1); c.4970G>A, p.Arg1657Gln (NM_001324062.2); short protein forms R1493Q, R1598Q, R1657Q, R535Q.
Identifiers: ClinVar variation 3294675 (VCV003294675.2).
Genomic context (GRCh38, chr1:222,660,001, plus strand): 5'-AAGAAGAACCTGTGATTGTAAAACCAATGCCAGGAAAACCAAATACACAAAACCCTCCAC[G>A]GAGAGGTAAGGGAGCTACCTTGTAAAGGGCAACAATCTGTTTTTTGATGTAAAATGTATA-3'
Protein context (NP_940953.2, residues 1647-1667): PGKPNTQNPP[Arg1657Gln]RGPLSQNGSF